The following is an entry in ClinVar:

NM_002439.5(MSH3):c.1940A>C (p.His647Pro)

Gene: MSH3 (mutS homolog 3; plus strand). Cytogenetic location: 5q14.1.
Variant type: single nucleotide variant.
Coding change: c.1940A>C on transcript NM_002439.5 (MANE Select); coding-DNA position 1940, A replaced by C.
Protein change: p.His647Pro; replaces histidine 647 with proline.
Molecular consequence: missense variant.
Genome position (GRCh38, 1-based): chr5:80,767,976, A>C. VCF-style: chr5-80767976-A-C. GRCh37 (hg19) VCF-style: chr5-80063795-A-C.
Other names: short protein forms H647P.
Identifiers: ClinVar variation 3667273 (VCV003667273.2).

ClinVar aggregate classification (germline): Uncertain significance (1 of 4 stars; one submission).

Submission:

Labcorp Genetics (formerly Invitae), Labcorp
Classification: Uncertain significance. Last evaluated: 2024-09-09. Review status: criteria provided, single submitter. Criteria: Invitae Variant Classification Sherloc (09022015). Collection method: clinical testing. Allele origin: germline.
Comment: This sequence change replaces histidine, which is basic and polar, with proline, which is neutral and non-polar, at codon 647 of the MSH3 protein (p.His647Pro). This variant is not present in population databases (gnomAD no frequency). This variant has not been reported in the literature in individuals affected with MSH3-related conditions. An algorithm developed to predict the effect of missense changes on protein structure and function (PolyPhen-2) suggests that this variant is likely to be disruptive. In summary, the available evidence is currently insufficient to determine the role of this variant in disease. Therefore, it has been classified as a Variant of Uncertain Significance.